The following is an entry in ClinVar:

NM_025216.3(WNT10A):c.694del (p.Arg232fs)

Gene: WNT10A (Wnt family member 10A; plus strand). Cytogenetic location: 2q35.
Variant type: Deletion.
Coding change: c.694del on transcript NM_025216.3 (MANE Select); coding-DNA position 694, one base deleted (C; older notation c.694delC).
Protein change: p.Arg232fs; shifts the reading frame from arginine 232.
Molecular consequence: frameshift variant.
Genome position (GRCh38, 1-based): chr2:218,890,301, C deleted; the last of 3 consecutive C bases (chr2:218,890,299-218,890,301); deleting any one gives the same sequence. VCF-style (leftmost placement, unchanged base first): chr2-218890298-TC-T. GRCh37 (hg19) VCF-style: chr2-219755020-TC-T.
Other names: c.694del (NM_025216.2); c.694delC (NM_025216.3); short protein forms R232fs.
Identifiers: ClinVar variation 639357 (VCV000639357.20), dbSNP rs1575233692, ClinGen allele CA915941719.

ClinVar aggregate classification (germline): Pathogenic/Likely pathogenic. Review status: criteria provided, multiple submitters, no conflicts (2 of 4 stars). 7 submissions from 7 submitters: Pathogenic (1); Likely pathogenic (6). Last evaluated 2025-07-06.

Conditions:
Tooth agenesis, selective, 4 (STHAG4). Also called: SUCCEDANEOUS TEETH, AGENESIS OF; TOOTH AGENESIS, SELECTIVE, 4, WITH OR WITHOUT ECTODERMAL DYSPLASIA; LATERAL INCISORS, ABSENCE OF; LATERAL INCISORS, PEGGED OR MISSING. Identifiers: Orphanet 99798, MedGen C1835492, MONDO:0007881, OMIM 150400. Disease mechanism: loss of function.
Odonto-onycho-dermal dysplasia. Identifiers: Orphanet 2721, MedGen C0796093, MONDO:0009773, OMIM 257980.
WNT10A-related disorder. Also called: WNT10A-related condition; WNT10A-related disorders.
Schöpf-Schulz-Passarge syndrome. Also called: SchC6pf-Schulz-Passarge syndrome; ECCRINE TUMORS WITH ECTODERMAL DYSPLASIA; KERATOSIS PALMOPLANTARIS WITH CYSTIC EYELIDS, HYPODONTIA, AND HYPOTRICHOSIS. Identifiers: Orphanet 50944, MedGen C1857069, MONDO:0009145, OMIM 224750.

Submissions (7):

Labcorp Genetics (formerly Invitae), Labcorp
Classification: Pathogenic for Tooth agenesis, selective, 4; Odonto-onycho-dermal dysplasia. Last evaluated: 2025-07-06. Review status: criteria provided, single submitter. Criteria: Invitae Variant Classification Sherloc (09022015). Collection method: clinical testing. Allele origin: germline.
Comment: This sequence change creates a premature translational stop signal (p.Arg232Glyfs*11) in the WNT10A gene. While this is not anticipated to result in nonsense mediated decay, it is expected to disrupt the last 186 amino acid(s) of the WNT10A protein. This variant is not present in population databases (gnomAD no frequency). This variant has not been reported in the literature in individuals affected with WNT10A-related conditions. ClinVar contains an entry for this variant (Variation ID: 639357). Algorithms developed to predict the effect of sequence changes on RNA splicing suggest that this variant may disrupt the consensus splice site. This variant disrupts a region of the WNT10A protein in which other variant(s) (p.Arg248*) have been determined to be pathogenic (PMID: 20979233, 28981473; internal data). This suggests that this is a clinically significant region of the protein, and that variants that disrupt it are likely to be disease-causing. For these reasons, this variant has been classified as Pathogenic.

Natera, Inc.
Classification: Likely pathogenic for Schopf-Schulz-Passarge syndrome. Last evaluated: 2025-02-11. Review status: criteria provided, single submitter. Criteria: Natera Variant Classification Schema (03/2026). Collection method: clinical testing. Allele origin: germline.
Comment: The c.694delC variant in WNT10A is a frameshift variant predicted to shift the reading frame beginning at codon 232 and leads to a stop codon 11 codons downstream. This variant is expected to result in nonsense mediated decay, truncation, or a dysfunctional protein product. This variant is rare in the general population with a frequency below the threshold expected for the associated phenotype(s). Given the available evidence, this variant is classified as Likely Pathogenic.

Blueprint Genetics
Classification: Likely pathogenic for WNT10A-related disorders. Last evaluated: 2024-08-11. Review status: criteria provided, single submitter. Criteria: ACMG Guidelines, 2015. Collection method: clinical testing. Allele origin: germline. Affected: yes. Observed: 2 variant alleles.

Molecular Genetics, Royal Melbourne Hospital
Classification: Likely pathogenic for Odonto-onycho-dermal dysplasia. Last evaluated: 2022-10-06. Review status: criteria provided, single submitter. Criteria: ACMG Guidelines, 2015. Collection method: clinical testing. Allele origin: germline. Affected: yes.
Comment: This sequence change in WNT10A is a frameshift variant that may cause a premature stop codon, p.(Arg232Glyfs*11), that is predicted to escape nonsense-mediated decay, however, it is a truncation of a functionally important region (removes amino acids 242-252) in a gene where loss of function is an established disease mechanism (PMID: 25629078, 29178643). This variant is absent from the population database gnomAD v2.1 and v3.1. To our knowledge, this variant has not been reported in the literature in any individuals with WNT10A-related disease. This variant has been classified as likely pathogenic and pathogenic in ClinVar (Variation ID: 639357). This variant has been detected homozygous in at least one individual with a phenotype consistent with odontoonychodermal dysplasia (Royal Melbourne Hospital). Based on the classification scheme RMH Modified ACMG Guidelines v1.5.1, this variant is classified as LIKELY PATHOGENIC. Following criteria are met: PVS1_Strong, PM2_Supporting, PM3_Supporting.

MGZ Medical Genetics Center
Classification: Likely pathogenic for Odonto-onycho-dermal dysplasia. Last evaluated: 2022-07-26. Review status: criteria provided, single submitter. Criteria: ACMG Guidelines, 2015. Collection method: clinical testing. Allele origin: germline. Affected: yes. Observed: 1 variant allele.
Comment: ACMG criteria applied: PVS1, PM2_SUP

Fulgent Genetics
Classification: Likely pathogenic for Tooth agenesis, selective, 4; Schöpf-Schulz-Passarge syndrome; Odonto-onycho-dermal dysplasia. Last evaluated: 2021-09-29. Review status: criteria provided, single submitter. Criteria: ACMG Guidelines, 2015. Collection method: clinical testing. Allele origin: unknown.

Revvity Omics, Revvity
Classification: Likely pathogenic. Last evaluated: 2021-02-02. Review status: criteria provided, single submitter. Criteria: ACMG Guidelines, 2015. Collection method: clinical testing. Allele origin: germline.

Literature cited by the submitters: PubMed 20979233 (cited by Labcorp Genetics (formerly Invitae), Labcorp); PubMed 28981473 (cited by Labcorp Genetics (formerly Invitae), Labcorp); PubMed 25629078 (cited by Molecular Genetics, Royal Melbourne Hospital); PubMed 29178643 (cited by Molecular Genetics, Royal Melbourne Hospital).